The following is an entry in ClinVar:

NM_152384.3(BBS5):c.293T>C (p.Leu98Pro)

Gene: BBS5 (Bardet-Biedl syndrome 5; plus strand). Cytogenetic location: 2q31.1.
Variant type: single nucleotide variant.
Coding change: c.293T>C on transcript NM_152384.3 (MANE Select); coding-DNA position 293, T replaced by C.
Protein change: p.Leu98Pro; replaces leucine 98 with proline.
Molecular consequence: missense variant.
Genome position (GRCh38, 1-based): chr2:169,488,021, T>C. VCF-style: chr2-169488021-T-C. GRCh37 (hg19) VCF-style: chr2-170344531-T-C.
Other names: c.293T>C (NM_152384.2); short protein forms L98P.
Identifiers: ClinVar variation 2044325 (VCV002044325.5), dbSNP rs1683515410, ClinGen allele CA349162150.

ClinVar aggregate classification (germline): Uncertain significance. Review status: criteria provided, multiple submitters, no conflicts (2 of 4 stars). 2 submissions from 2 submitters: Uncertain significance (2). Last evaluated 2025-08-07.

Conditions:
Bardet-Biedl syndrome (BBS). Identifiers: Orphanet 110, MedGen C0752166, MONDO:0015229.
Inborn genetic diseases. Identifiers: MedGen C0950123, MeSH D030342.

Submissions (2):

Ambry Genetics
Classification: Uncertain significance for Inborn genetic diseases. Last evaluated: 2025-08-07. Review status: criteria provided, single submitter. Criteria: Ambry Variant Classification Scheme 2023. Collection method: clinical testing. Allele origin: germline.

Labcorp Genetics (formerly Invitae), Labcorp
Classification: Uncertain significance for Bardet-Biedl syndrome. Last evaluated: 2022-10-17. Review status: criteria provided, single submitter. Criteria: Invitae Variant Classification Sherloc (09022015). Collection method: clinical testing. Allele origin: germline.
Comment: In summary, the available evidence is currently insufficient to determine the role of this variant in disease. Therefore, it has been classified as a Variant of Uncertain Significance. Algorithms developed to predict the effect of missense changes on protein structure and function (SIFT, PolyPhen-2, Align-GVGD) all suggest that this variant is likely to be disruptive. This variant has not been reported in the literature in individuals affected with BBS5-related conditions. This variant is not present in population databases (gnomAD no frequency). This sequence change replaces leucine, which is neutral and non-polar, with proline, which is neutral and non-polar, at codon 98 of the BBS5 protein (p.Leu98Pro).